The following is an entry in ClinVar:

ClinVar aggregate classification (germline): Likely pathogenic (1 of 4 stars; one submission).

Conditions:
Sotos syndrome (SOTOS). Also called: CHROMOSOME 5q35 DELETION SYNDROME; CEREBRAL GIGANTISM; Sotos' syndrome; Distinctive facial appearance, overgrowth in childhood, and learning disabilities or delayed development; SOTOS SYNDROME 1. Identifiers: Orphanet 821, MedGen C0175695, MONDO:0019349, OMIM 117550.

Submission:

OLLIN Analises Genomicas, OLLIN
Classification: Likely pathogenic for Sotos syndrome. Last evaluated: 2025-06-23. Review status: criteria provided, single submitter. Criteria: ACMG Guidelines 2015 PMID 25741868. Collection method: clinical testing. Allele origin: germline. Affected: yes. Observed: 1 variant allele.
Comment: The frameshift variant (chr5:177269652A>AT), located in exon 16 (of 23), is not reported in the gnomAD v4.1 non-UKB or ClinVar databases, nor has it been found in the scientific literature. This variant promotes a change in the reading frame with subsequent introduction of a premature stop codon, resulting in a truncated protein or mRNA degradation via nonsense-mediated decay (NMD). According to currently available evidence, this variant has been classified as likely pathogenic (PVS1, PM2_P).

NM_022455.5(NSD1):c.5355dup (p.Lys1786Ter)

Genes: NSD1 (nuclear receptor binding SET domain protein 1; plus strand), LOC126807619 (MED14-independent group 3 enhancer GRCh37_chr5:176696443-176697642; plus strand). Cytogenetic location: 5q35.3.
Variant type: Duplication.
Coding change: c.5355dup on transcript NM_022455.5 (MANE Select); coding-DNA position 5355, one base duplicated (T; older notation c.5355dupT).
Protein change: p.Lys1786Ter; replaces lysine 1786 with a stop codon.
Molecular consequence: nonsense.
Genome position (GRCh38, 1-based): chr5:177,269,653, T duplicated. VCF-style (leftmost placement, unchanged base first): chr5-177269652-A-AT. GRCh37 (hg19) VCF-style: chr5-176696653-A-AT.
Other names: c.4482dup, p.Lys1495Ter (NM_001365684.2, NM_001409308.1, NM_001409309.1 and 1 more transcripts); c.5355dup, p.Lys1786Ter (NM_001409301.1, NM_001409302.1, NM_001409303.1); c.4935dup, p.Lys1646Ter (NM_001409304.1); c.4602dup, p.Lys1535Ter (NM_001409305.1); c.4593dup, p.Lys1532Ter (NM_001409306.1, NM_001409307.1); short protein forms K1495*, K1532*, K1535*, K1646*, K1786*.
Identifiers: ClinVar variation 4814148 (VCV004814148.1).